The following is an entry in ClinVar:

ClinVar aggregate classification (germline): Uncertain significance. Review status: criteria provided, multiple submitters, no conflicts (2 of 4 stars). 3 submissions from 3 submitters: Uncertain significance (3). Last evaluated 2025-11-27.

Conditions:
Inborn genetic diseases. Identifiers: MedGen C0950123, MeSH D030342.
Specific granule deficiency. Identifiers: Orphanet 169142, MedGen C0398593, MONDO:0009506.

Allele frequency attached by ClinVar (database versions not stated): TOPMed 0.00006; ESP Exome Variant Server 0.00008; gnomAD 0.00006.

Submissions (3):

Ambry Genetics
Classification: Uncertain significance for Inborn genetic diseases. Last evaluated: 2025-11-27. Review status: criteria provided, single submitter. Criteria: Ambry Variant Classification Scheme 2023. Collection method: clinical testing. Allele origin: germline.

Mayo Clinic Laboratories, Mayo Clinic
Classification: Uncertain significance. Last evaluated: 2025-07-02. Review status: criteria provided, single submitter. Criteria: ACMG Guidelines, 2015. Collection method: clinical testing. Allele origin: germline. Observed: 1 variant allele.
Comment: BP4_moderate

Labcorp Genetics (formerly Invitae), Labcorp
Classification: Uncertain significance for Specific granule deficiency. Last evaluated: 2023-10-13. Review status: criteria provided, single submitter. Criteria: Invitae Variant Classification Sherloc (09022015). Collection method: clinical testing. Allele origin: germline.
Comment: This sequence change replaces glutamic acid, which is acidic and polar, with glutamine, which is neutral and polar, at codon 19 of the CEBPE protein (p.Glu19Gln). This variant is present in population databases (rs200738630, gnomAD 0.009%). This variant has not been reported in the literature in individuals affected with CEBPE-related conditions. ClinVar contains an entry for this variant (Variation ID: 1026032). An algorithm developed to predict the effect of missense changes on protein structure and function (PolyPhen-2) suggests that this variant is likely to be disruptive. In summary, the available evidence is currently insufficient to determine the role of this variant in disease. Therefore, it has been classified as a Variant of Uncertain Significance.

NM_001805.4(CEBPE):c.55G>C (p.Glu19Gln)

Gene: CEBPE (CCAAT enhancer binding protein epsilon; minus strand). Cytogenetic location: 14q11.2.
Variant type: single nucleotide variant.
Coding change: c.55G>C on transcript NM_001805.4 (MANE Select); coding-DNA position 55, G replaced by C.
Protein change: p.Glu19Gln; replaces glutamic acid 19 with glutamine.
Molecular consequence: missense variant.
Genome position (GRCh38, 1-based): chr14:23,119,037, C>G on the plus strand (G>C on the coding strand, the complement: CEBPE is on the minus strand). VCF-style: chr14-23119037-C-G. GRCh37 (hg19) VCF-style: chr14-23588246-C-G.
Other names: p.Glu19Gln; c.55G>C (NM_001805.3, NM_001805.2); short protein forms E19Q.
Identifiers: ClinVar variation 1026032 (VCV001026032.6), dbSNP rs200738630, ClinGen allele CA7111308.